The following is an entry in ClinVar:

ClinVar aggregate classification (germline): Uncertain significance. Review status: criteria provided, multiple submitters, no conflicts (2 of 4 stars). 2 submissions from 2 submitters: Uncertain significance (2). Last evaluated 2026-09-10.

Conditions:
Cardiovascular phenotype. Identifiers: MedGen CN230736.
Dilated cardiomyopathy 1M (CMD1M). Identifiers: Orphanet 154, MedGen C1843808, MONDO:0011840, OMIM 607482.
Hypertrophic cardiomyopathy 12. Identifiers: MedGen C2677491, MONDO:0012804, OMIM 612124.

Allele frequency attached by ClinVar (database versions not stated): gnomAD exomes below 0.00001.
gnomAD v4.1: 1 of 1,613,522 alleles (0.000062%); highest among the groups gnomAD compares: South Asian, 0.0011%; no homozygotes.

Submissions (2):

Ambry Genetics
Classification: Uncertain significance for Cardiovascular phenotype. Last evaluated: 2026-09-10. Review status: criteria provided, single submitter. Criteria: Ambry Variant Classification Scheme 2023. Collection method: clinical testing. Allele origin: germline.

Labcorp Genetics (formerly Invitae), Labcorp
Classification: Uncertain significance for Hypertrophic cardiomyopathy 12; Dilated cardiomyopathy 1M. Last evaluated: 2024-03-12. Review status: criteria provided, single submitter. Criteria: Invitae Variant Classification Sherloc (09022015). Collection method: clinical testing. Allele origin: germline.
Comment: This sequence change replaces glycine, which is neutral and non-polar, with arginine, which is basic and polar, at codon 164 of the CSRP3 protein (p.Gly164Arg). This variant is not present in population databases (gnomAD no frequency). This variant has not been reported in the literature in individuals affected with CSRP3-related conditions. ClinVar contains an entry for this variant (Variation ID: 1482686). An algorithm developed to predict the effect of missense changes on protein structure and function (PolyPhen-2) suggests that this variant is likely to be disruptive. In summary, the available evidence is currently insufficient to determine the role of this variant in disease. Therefore, it has been classified as a Variant of Uncertain Significance.

NM_003476.5(CSRP3):c.490G>A (p.Gly164Arg)

Gene: CSRP3 (cysteine and glycine rich protein 3; minus strand). Cytogenetic location: 11p15.1.
Variant type: single nucleotide variant.
Coding change: c.490G>A on transcript NM_003476.5 (MANE Select); coding-DNA position 490, G replaced by A.
Protein change: p.Gly164Arg; replaces glycine 164 with arginine.
Molecular consequence: missense variant.
Genome position (GRCh38, 1-based): chr11:19,184,970, C>T on the plus strand (G>A on the coding strand, the complement: CSRP3 is on the minus strand). VCF-style: chr11-19184970-C-T. GRCh37 (hg19) VCF-style: chr11-19206517-C-T.
Other names: c.321G>A, p.Met107Ile (NM_001369404.1); c.490G>A (NM_003476.3); short protein forms M107I, G164R.
Identifiers: ClinVar variation 1482686 (VCV001482686.9), dbSNP rs2133506813, ClinGen allele CA379887644.